The following is an entry in ClinVar:

NM_015311.3(OBSL1):c.4360C>T (p.Arg1454Trp)

Gene: OBSL1 (obscurin like cytoskeletal adaptor 1; minus strand). Cytogenetic location: 2q35.
Variant type: single nucleotide variant.
Coding change: c.4360C>T on transcript NM_015311.3 (MANE Select); coding-DNA position 4360, C replaced by T.
Protein change: p.Arg1454Trp; replaces arginine 1454 with tryptophan.
Molecular consequence: missense variant.
Genome position (GRCh38, 1-based): chr2:219,556,269, G>A on the plus strand (C>T on the coding strand, the complement: OBSL1 is on the minus strand). VCF-style: chr2-219556269-G-A. GRCh37 (hg19) VCF-style: chr2-220420991-G-A.
Other names: c.4360C>T, p.Arg1454Trp (NM_001173431.2); short protein forms R1454W.
Identifiers: ClinVar variation 3235026 (VCV003235026.1), dbSNP rs759651225, ClinGen allele CA2130565.

ClinVar aggregate classification (germline): Uncertain significance (1 of 4 stars; one submission).

Conditions:
3M syndrome 2. Also called: 3-M Syndrome, OBSL1-Related; THREE M SYNDROME 2. Identifiers: Orphanet 2616, MedGen C2752041, MONDO:0013039, OMIM 612921.

Allele frequency attached by ClinVar (database versions not stated): TOPMed below 0.00001; gnomAD 0.00001; gnomAD exomes 0.00001; ExAC 0.00006.
gnomAD v4.1: 19 of 1,589,748 alleles (0.0012%); highest among the groups gnomAD compares: South Asian, 0.0057%; no homozygotes.

Submission:

Neuberg Centre For Genomic Medicine, NCGM
Classification: Uncertain significance for 3M syndrome 2. Review status: criteria provided, single submitter. Criteria: ACMG Guidelines, 2015. Collection method: clinical testing. Allele origin: germline. Inheritance: Autosomal recessive inheritance. Affected: yes.
Comment: The missense c.4360C>Tp.Arg1454Trp variant in OBSL1 gene has not been reported previously as a pathogenic variant nor as a benign variant, to our knowledge. The variant is reported with an allele frequency of 0.003% in the gnomAD exomes database and is novel not in any individuals in 1000 Genomes database. This variant has not been reported to the ClinVar database. The amino acid change p.Arg1454Trp in OBSL1 is predicted as conserved by GERP++ and PhyloP across 100 vertebrates. The amino acid Arg at position 1454 is changed to a Trp changing protein sequence and it might alter its composition and physico-chemical properties. For these reasons, this variant has been classified as Variant of Uncertain Significance VUS.